The following is an entry in ClinVar:

ClinVar aggregate classification (germline): Conflicting classifications of pathogenicity. Review status: criteria provided, conflicting classifications (1 of 4 stars). 17 submissions from 17 submitters: Pathogenic (8); Likely pathogenic (4); Uncertain significance (3). 2 of the submissions do not count toward it. Last evaluated 2026-05-15.

Conditions:
IL36RN-related disorder. Also called: IL36RN-related condition.
IL36RN-related disorders.
Acrodermatitis continua suppurativa of Hallopeau (PSORS14). Also called: Psoriasis 14, pustular; INTERLEUKIN 36 RECEPTOR ANTAGONIST DEFICIENCY; ACRODERMATITIS CONTINUA OF HALLOPEAU. Identifiers: Orphanet 163931, MedGen C0392439, MONDO:0013626, OMIM 614204.
Autoinflammatory syndrome. Identifiers: Orphanet 93665, MedGen C3890737, MONDO:0019751.
Generalized pustular psoriasis. Identifiers: Orphanet 247353, MedGen C0343055, MONDO:0100491.

Allele frequency attached by ClinVar (database versions not stated): 1000 Genomes Project 30x 0.00156; 1000 Genomes Project 0.00160; TOPMed 0.00220; ESP Exome Variant Server 0.00231; gnomAD 0.00261 and 0.00264.
gnomAD v4.1: 5,427 of 1,614,064 alleles (0.34%); highest among the groups gnomAD compares: Non-Finnish European, 0.39%; 10 homozygotes.

Submissions 1 to 9 of 17:

GeneDx
Classification: Uncertain significance. Last evaluated: 2026-05-15. Review status: criteria provided, single submitter. Criteria: GeneDx Variant Classification Process June 2021. Collection method: clinical testing. Allele origin: germline.
Comment: Common variant among individuals of European background (PMID: 24656634); Published functional studies suggest this variant results in reduced protein expression and partial impairment of capacity to repress an IL36RNmediated signaling cascade, however additional studies are needed to validate the functional effect of this variant in vivo (PMID: 27220475); In silico analysis supports that this missense variant has a deleterious effect on protein structure/function; This variant is associated with the following publications: (PMID: 25468355, 24131530, 25212972, 39873967, 23792462, 25989471, 22288582, 22903787, 23711932, 26589685, 23909475, 23834760, 27038307, 27388993, 29030861, 30609409, 34426522, 38577038, 37414245, 26147717, 24656634, 39992598, 40176872, 39882245, 39732527, 40169503, 41611556, 40447918, 21839423, 23648549, 25458002, 23428889, 25427108, 27220475, 23303454)

PreventionGenetics, part of Exact Sciences
Classification: Likely pathogenic for IL36RN-related condition. Last evaluated: 2026-05-07. Review status: criteria provided, single submitter. Criteria: ACMG Guidelines, 2015. Collection method: clinical testing. Allele origin: germline.
Comment: The IL36RN c.338C>T variant is predicted to result in the amino acid substitution p.Ser113Leu. This variant has been reported in the homozygous and compound heterozygous states in individuals with generalized pustular psoriasis, palmarplantar pustulosis, and acrodermatitis continua of Hallopeau (Onoufriadis et al. 2011. PubMed ID: 21839423; Abbas et al. 2013. PubMed ID: 23428889; Setta-Kaffetzi et al. 2013. PubMed ID: 23303454). This variant was also identified in the heterozygous state in several individuals with generalized pustular psoriasis or palmarplantar pustulosis, suggesting that the p.Ser113Leu allele may have pathogenic potential even in the heterozygous state (Setta-Kaffetzi et al. 2013. PubMed ID: 23303454). Of note, this variant was also identified in the heterozygous state in one individual in a control cohort (Onoufriadis et al. 2011. PubMed ID: 21839423) and is reported in ~0.66% of alleles in individuals of European (Finnish) descent in gnomAD, which may be too frequent to cause disease in an autosomal dominant manner. Functional studies have shown that the p.Ser113Leu allele alters IL36RN protein expression and function (Tauber et al. 2016. PubMed ID: 27220475). Taken together, we interpret this variant as likely pathogenic for autosomal recessive disease.

Dasa
Classification: Pathogenic. Last evaluated: 2026-03-03. Review status: criteria provided, single submitter. Criteria: DASA Assertion Criteria. Collection method: clinical testing. Allele origin: germline.
Comment: NM_012275.3(IL36RN):c.338C>T (p.Ser113Leu) is a missense variant that results in the substitution of serine with leucine. Functional evidence supports a deleterious effect on the gene or gene product (PMID: 30036598; PMID: 28887889; PMID: 21839423; PMID: 23303454; PMID: 27220475). This variant has been recurrently observed in individuals with related phenotype (PMID: 30036598; PMID: 28887889; PMID: 21839423; PMID: 23303454; PMID: 27220475). Segregation evidence has been reported in affected families. The variant is present at low frequency in population datasets. Based on the available data, this variant is classified as pathogenic.

Variantyx, Inc.
Classification: Pathogenic for Acrodermatitis continua suppurativa of Hallopeau. Last evaluated: 2026-01-16. Review status: criteria provided, single submitter. Criteria: Variantyx Assertion Criteria 2022. Collection method: clinical testing. Allele origin: germline. Inheritance: Autosomal recessive inheritance. Affected: no.
Comment: This is a nonsynonymous variant in the IL36RN gene (OMIM: 605507). Pathogenic variants in this gene have been associated with autosomal recessive pustular psoriasis 14. This variant has been identified in the homozygous or compound heterozygous state in many individuals reported in the published literature (PMID: 21839423, 23303454, 25427108, 34973310, 30036598, 28194751) (PM3), and it has been observed to segregate with disease in at least 4 individuals from 2 families (PMID: 23428889, 26147717) (PP1). Computational algorithms produce conflicting evidence regarding the predicted functional impact of this variant (REVEL score: 0.319), but functional studies have shown that this variant alters IL36RN protein function (PMID: 27220475, 37414245) (PS3_Moderate). This variant has a 0.3914% maximum allele frequency in non-founder control populations. Based on the current evidence, this variant is classified as pathogenic for autosomal recessive pustular psoriasis 14.

CeGaT Center for Human Genetics Tuebingen
Classification: Likely pathogenic. Last evaluated: 2025-11-01. Review status: criteria provided, single submitter. Criteria: CeGaT Center For Human Genetics Tuebingen Variant Classification Criteria Version 2. Collection method: clinical testing. Allele origin: germline. Affected: yes. Observed: 5 variant alleles.
Comment: IL36RN: PM3:Very Strong, PM2:Supporting, PS3:Supporting, BP4

Mayo Clinic Laboratories, Mayo Clinic
Classification: Pathogenic. Last evaluated: 2025-05-06. Review status: criteria provided, single submitter. Criteria: ACMG Guidelines, 2015. Collection method: clinical testing. Allele origin: germline. Observed: 5 variant alleles.
Comment: PM3_very_strong, PS3_moderate, PS4_moderate

Blueprint Genetics
Classification: Pathogenic for IL36RN-related disorders. Last evaluated: 2024-11-11. Review status: criteria provided, single submitter. Criteria: ACMG Guidelines, 2015. Collection method: clinical testing. Allele origin: germline. Affected: yes. Observed: 5 variant alleles.

Laboratory for Molecular Medicine, Mass General Brigham Personalized Medicine
Classification: Likely pathogenic for Generalized pustular psoriasis. Last evaluated: 2024-03-31. Review status: criteria provided, single submitter. Criteria: ACMG Guidelines, 2015. Collection method: clinical testing. Allele origin: germline. Inheritance: Autosomal recessive inheritance.
Comment: The p.Ser113Leu variant in IL36RN has been reported in >25 homozygous or compound heterozygous individuals with generalized pustular psoriasis and related psoriasis-associated pustular phenotypes. The p.Ser113Leu variant was identified with another disease-causing variant in IL36RN in > 5 individuals (Onoufriadis 2011 PMID: 21839423, Setta-Kaffetzi 2013 PMID: 23303454, Abbas 2013 PMID: 23428889, Korber 2013 PMID: 23648549, Navarini 2015 PMID: 25427108, Hussain 2015 PMID: 25458002, Rajan 2016 PMID: 26147717, Mossner 2018 PMID: 28887889). In one report, this variant was found at a statistically significantly higher proportion of cases to controls (Twelves 2019 PMID: 30036598). It also segregated with disease in one affected sibling from one family, who had a much less severe presentation (Rajan 2016 PMID: 26147717). This variant has also been reported by other clinical laboratories in ClinVar (Variation ID 30490) and has been identified in 0.6% (412/63940) of Finnish chromosomes and 0.4% (4619/1180018) of European chromosomes, including 10 total homozygotes by gnomAD (v.4.0.0). In vitro functional studies provide some evidence that this variant reduces protein expression and slightly reduces the inhibitory function of IL36RN (Tauber 2016 PMID: 27220475); however, the residual function may signify that this is a hypomorphic allele. Computational prediction tools and conservation analyses do not provide strong support for or against an impact to the protein. In summary, this variant meets criteria to be classified as likely pathogenic for generalized pustular psoriasis, though its high frequency in control cohorts and in unaffected homozygotes suggest that this variant is hypomorphic and may only cause disease in some cases, with specific triggers, or only mild disease in some individuals. ACMG/AMP Criteria applied: PM3_VeryStrong, PP1, PS3_Supporting.

Department of Pathology and Laboratory Medicine, Sinai Health System
Classification: Pathogenic for Acrodermatitis continua suppurativa of Hallopeau. Last evaluated: 2023-09-28. Review status: criteria provided, single submitter. Criteria: ACMG Guidelines, 2015. Collection method: research. Allele origin: germline.

NM_012275.3(IL36RN):c.338C>T (p.Ser113Leu)

Gene: IL36RN (interleukin 36 receptor antagonist; plus strand). Cytogenetic location: 2q14.1.
Variant type: single nucleotide variant.
Coding change: c.338C>T on transcript NM_012275.3 (MANE Select); coding-DNA position 338, C replaced by T.
Protein change: p.Ser113Leu; replaces serine 113 with leucine.
Molecular consequence: missense variant.
Genome position (GRCh38, 1-based): chr2:113,062,547, C>T. VCF-style: chr2-113062547-C-T. GRCh37 (hg19) VCF-style: chr2-113820124-C-T.
Other names: c.338C>T, p.Ser113Leu (NM_173170.1); short protein forms S113L.
Identifiers: ClinVar variation 30490 (VCV000030490.77), dbSNP rs144478519, ClinGen allele CA129270.